The following is an entry in ClinVar:

NM_138694.4(PKHD1):c.3614G>A (p.Cys1205Tyr)

Gene: PKHD1 (PKHD1 ciliary IPT domain containing fibrocystin/polyductin; minus strand). Cytogenetic location: 6p12.2.
Variant type: single nucleotide variant.
Coding change: c.3614G>A on transcript NM_138694.4 (MANE Select); coding-DNA position 3614, G replaced by A.
Protein change: p.Cys1205Tyr; replaces cysteine 1205 with tyrosine.
Molecular consequence: missense variant.
Genome position (GRCh38, 1-based): chr6:52,027,843, C>T on the plus strand (G>A on the coding strand, the complement: PKHD1 is on the minus strand). VCF-style: chr6-52027843-C-T. GRCh37 (hg19) VCF-style: chr6-51892641-C-T.
Other names: c.3614G>A, p.Cys1205Tyr (NM_170724.3); short protein forms C1205Y.
Identifiers: ClinVar variation 3603305 (VCV003603305.1).

ClinVar aggregate classification (germline): Uncertain significance (1 of 4 stars; one submission).

Conditions:
Polycystic kidney disease 4 (PKD4). Also called: POLYCYSTIC KIDNEY AND HEPATIC DISEASE 1; POLYCYSTIC KIDNEY DISEASE, INFANTILE, TYPE I; PKD3; Autosomal Recessive Polycystic Kidney Disease – PKHD1; POLYCYSTIC KIDNEY DISEASE 4 WITH OR WITHOUT POLYCYSTIC LIVER DISEASE. Identifiers: MedGen C4540575, MONDO:0033004, OMIM 263200.

gnomAD v4.1: 5 of 1,612,568 alleles (0.00031%); highest among the groups gnomAD compares: South Asian, 0.0044%; no homozygotes.

Submission:

Neuberg Centre For Genomic Medicine, NCGM
Classification: Uncertain significance for Polycystic kidney disease 4. Last evaluated: 2023-06-22. Review status: criteria provided, single submitter. Criteria: ACMG Guidelines, 2015. Collection method: clinical testing. Allele origin: germline. Inheritance: Autosomal recessive inheritance. Affected: yes.
Comment: The missense variant c.3614G>A (p.Cys1205Tyr) in the PKHD1 gene has not been reported previously as a pathogenic variant nor as a benign variant, to our knowledge. This variant is reported with the allele frequency (0.0007%) in the gnomAD Exomes. The amino acid Cys at position 1205 is changed to a Tyr changing protein sequence and it might alter its composition and physico-chemical properties. Multiple lines of computational evidence (Polyphen - Damaging, SIFT - Damaging and MutationTaster - Disease causing) predict a damaging effect on protein structure and function for this variant. The amino acid change p.Cys1205Tyr in PKHD1 is predicted as conserved by GERP++ and PhyloP across 100 vertebrates. For these reasons, this variant has been classified as Uncertain Significance